The following is an entry in ClinVar:

NM_014112.5(TRPS1):c.2930A>G (p.Asn977Ser)

Gene: TRPS1 (transcriptional repressor GATA binding 1; minus strand). Cytogenetic location: 8q23.3.
Variant type: single nucleotide variant.
Coding change: c.2930A>G on transcript NM_014112.5 (MANE Select); coding-DNA position 2930, A replaced by G.
Protein change: p.Asn977Ser; replaces asparagine 977 with serine.
Molecular consequence: missense variant.
Genome position (GRCh38, 1-based): chr8:115,414,978, T>C on the plus strand (A>G on the coding strand, the complement: TRPS1 is on the minus strand). VCF-style: chr8-115414978-T-C. GRCh37 (hg19) VCF-style: chr8-116427206-T-C.
Other names: c.2903A>G, p.Asn968Ser (NM_001282902.3); c.2930A>G (NM_014112.2); c.2909A>G, p.Asn970Ser (NM_001282903.3); c.2891A>G, p.Asn964Ser (NM_001330599.2); short protein forms N968S, N970S, N964S, N977S.
Identifiers: ClinVar variation 2195510 (VCV002195510.5), dbSNP rs1427693895, ClinGen allele CA372063908.

ClinVar aggregate classification (germline): Conflicting classifications of pathogenicity. Review status: criteria provided, conflicting classifications (1 of 4 stars). 2 submissions from 2 submitters: Uncertain significance (1); Likely benign (1). Last evaluated 2025-05-17.

Conditions:
Trichorhinophalangeal dysplasia type I (TRPS1). Also called: TRICHORHINOPHALANGEAL SYNDROME, TYPE I; TRPS I. Identifiers: Orphanet 77258, MedGen C0432233, MONDO:0008596, OMIM 190350.
Trichorhinophalangeal syndrome, type III (TRPS3). Also called: SUGIO-KAJII SYNDROME. Identifiers: Orphanet 77258, MedGen C1860823, OMIM 190351, MONDO:0008597.
Inborn genetic diseases. Identifiers: MedGen C0950123, MeSH D030342.

Allele frequency attached by ClinVar (database versions not stated): gnomAD 0.00001; TOPMed 0.00001; gnomAD exomes 0.00002.
gnomAD v4.1: 13 of 1,582,696 alleles (0.00082%); highest among the groups gnomAD compares: East Asian, 0.0022%; no homozygotes.

Submissions (2):

Labcorp Genetics (formerly Invitae), Labcorp
Classification: Uncertain significance for Trichorhinophalangeal syndrome, type III; Trichorhinophalangeal dysplasia type I. Last evaluated: 2025-05-17. Review status: criteria provided, single submitter. Criteria: Invitae Variant Classification Sherloc (09022015). Collection method: clinical testing. Allele origin: germline.
Comment: This sequence change replaces asparagine, which is neutral and polar, with serine, which is neutral and polar, at codon 977 of the TRPS1 protein (p.Asn977Ser). This variant is present in population databases (no rsID available, gnomAD 0.006%). This variant has not been reported in the literature in individuals affected with TRPS1-related conditions. ClinVar contains an entry for this variant (Variation ID: 2195510). Invitae Evidence Modeling of protein sequence and biophysical properties (such as structural, functional, and spatial information, amino acid conservation, physicochemical variation, residue mobility, and thermodynamic stability) indicates that this missense variant is not expected to disrupt TRPS1 protein function with a negative predictive value of 80%. In summary, the available evidence is currently insufficient to determine the role of this variant in disease. Therefore, it has been classified as a Variant of Uncertain Significance.

Ambry Genetics
Classification: Likely benign for Inborn genetic diseases. Last evaluated: 2024-08-12. Review status: criteria provided, single submitter. Criteria: Ambry Variant Classification Scheme 2023. Collection method: clinical testing. Allele origin: germline.